The following is an entry in ClinVar:

NM_016219.5(MAN1B1):c.120GCC[3] (p.Pro44_Pro45del)

Genes: MAN1B1 (mannosidase alpha class 1B member 1; plus strand), LOC130003078 (ATAC-STARR-seq lymphoblastoid active region 29343; plus strand), LOC130003079 (ATAC-STARR-seq lymphoblastoid silent region 20579; plus strand). Cytogenetic location: 9q34.3.
Variant type: Microsatellite.
Coding change: c.120GCC[3] on transcript NM_016219.5 (MANE Select); three copies in a row of the 3-base unit GCC starting at c.120; the reference has five copies in a row; two copies, 6 bases deleted; also written c.129_134del.
Protein change: p.Pro44_Pro45del.
Molecular consequence: inframe deletion. On other transcripts: non-coding transcript variant (2).
Genome position (GRCh38, 1-based): chr9:137,087,128-137,087,133, GCCGCC deleted; deleting any 6 consecutive bases within chr9:137,087,117-137,087,133 gives the same sequence; the position shown is the placement nearest the transcript's 3' end. VCF-style (leftmost placement, unchanged base first): chr9-137087116-ACCGCCG-A. GRCh37 (hg19) VCF-style: chr9-139981568-ACCGCCG-A.
Other names: c.129_134del (NM_016219.5); c.129_134delGCCGCC (NM_016219.3).
Identifiers: ClinVar variation 996982 (VCV000996982.4), dbSNP rs538804415, ClinGen allele CA5358462.

ClinVar aggregate classification (germline): Uncertain significance. Review status: criteria provided, multiple submitters, no conflicts (2 of 4 stars). 3 submissions from 3 submitters: Uncertain significance (3). Last evaluated 2022-04-09.

Conditions:
Rafiq syndrome (RAFQS). Identifiers: Orphanet 88616, MedGen C3280127, MONDO:0013624, OMIM 614202.
Inborn genetic diseases. Identifiers: MedGen C0950123, MeSH D030342.

Submissions (3):

Labcorp Genetics (formerly Invitae), Labcorp
Classification: Uncertain significance for Rafiq syndrome. Last evaluated: 2022-04-09. Review status: criteria provided, single submitter. Criteria: Invitae Variant Classification Sherloc (09022015). Collection method: clinical testing. Allele origin: germline.
Comment: This variant, c.129_134del, results in the deletion of 2 amino acid(s) of the MAN1B1 protein (p.Pro44_Pro45del), but otherwise preserves the integrity of the reading frame. This variant is present in population databases (rs766871551, gnomAD 0.003%). This variant has not been reported in the literature in individuals affected with MAN1B1-related conditions. Experimental studies and prediction algorithms are not available or were not evaluated, and the functional significance of this variant is currently unknown. In summary, the available evidence is currently insufficient to determine the role of this variant in disease. Therefore, it has been classified as a Variant of Uncertain Significance.

Ambry Genetics
Classification: Uncertain significance for Inborn genetic diseases. Last evaluated: 2021-05-24. Review status: criteria provided, single submitter. Criteria: Ambry Variant Classification Scheme 2023. Collection method: clinical testing. Allele origin: germline.
Comment: The c.129_134delGCCGCC (p.P44_P45del) alteration is located in exon 1 (coding exon 1) of the MAN1B1 gene. This alteration consists of an in-frame deletion of 6 nucleotides between nucleotide positions c.129 and c.134, resulting in the deletion of 2 residues. Based on insufficient or conflicting evidence, the clinical significance of this alteration remains unclear.

New York Genome Center
Classification: Uncertain significance for Rafiq syndrome. Last evaluated: 2020-04-20. Review status: criteria provided, single submitter. Criteria: NYGC Assertion Criteria 2020. Collection method: clinical testing. Allele origin: germline. Inheritance: Autosomal recessive inheritance. Observed: 1 heterozygote. Study: CSER-NYCKidSeq.